The following is an entry in ClinVar:

NM_001283009.2(RTEL1):c.1423C>G (p.Leu475Val)

Genes: RTEL1 (regulator of telomere elongation helicase 1; plus strand), RTEL1-TNFRSF6B (RTEL1-TNFRSF6B readthrough (NMD candidate); plus strand). Cytogenetic location: 20q13.33.
Variant type: single nucleotide variant.
Coding change: c.1423C>G on transcript NM_001283009.2 (MANE Select); coding-DNA position 1423, C replaced by G.
Protein change: p.Leu475Val; replaces leucine 475 with valine.
Molecular consequence: missense variant. On other transcripts: non-coding transcript variant (1).
Genome position (GRCh38, 1-based): chr20:63,687,712, C>G. VCF-style: chr20-63687712-C-G. GRCh37 (hg19) VCF-style: chr20-62319065-C-G.
Other names: c.754C>G, p.Leu252Val (NM_001283010.1); c.1423C>G, p.Leu475Val (NM_016434.4); c.1495C>G, p.Leu499Val (NM_032957.5); short protein forms L252V, L475V, L499V.
Identifiers: ClinVar variation 4844088 (VCV004844088.1).

ClinVar aggregate classification (germline): Uncertain significance (1 of 4 stars; one submission).

Conditions:
Inborn genetic diseases. Identifiers: MedGen C0950123, MeSH D030342.

gnomAD v4.1: 1 of 1,603,630 alleles (0.000062%); highest among the groups gnomAD compares: Non-Finnish European, 0.000085%; no homozygotes.

Submission:

Ambry Genetics
Classification: Uncertain significance for Inborn genetic diseases. Last evaluated: 2026-01-10. Review status: criteria provided, single submitter. Criteria: Ambry Variant Classification Scheme 2023. Collection method: clinical testing. Allele origin: germline.
Comment: The p.L475V variant (also known as c.1423C>G), located in coding exon 16 of the RTEL1 gene, results from a C to G substitution at nucleotide position 1423. The leucine at codon 475 is replaced by valine, an amino acid with highly similar properties. This amino acid position is conserved. In addition, this alteration is predicted to be tolerated by in silico analysis. Based on the available evidence, the clinical significance of this variant remains unclear.